The following is an entry in ClinVar:

ClinVar aggregate classification (germline): Uncertain significance. Review status: criteria provided, multiple submitters, no conflicts (2 of 4 stars). 3 submissions from 3 submitters: Uncertain significance (3). Last evaluated 2024-02-23.

Conditions:
Familial thoracic aortic aneurysm and aortic dissection (TAAD). Also called: Thoracic aortic aneurysms and dissections. Identifiers: Orphanet 91387, MedGen C4707243, MONDO:0019625.
Aortic aneurysm, familial thoracic 7 (AAT7). Also called: AORTIC DISSECTION, FAMILIAL, WITH OR WITHOUT AORTIC ANEURYSM. Identifiers: MedGen C3151077, MONDO:0013418, OMIM 613780.

Allele frequency attached by ClinVar (database versions not stated): TOPMed below 0.00001; gnomAD exomes 0.00001.

Submissions (3):

Labcorp Genetics (formerly Invitae), Labcorp
Classification: Uncertain significance for Aortic aneurysm, familial thoracic 7. Last evaluated: 2024-02-23. Review status: criteria provided, single submitter. Criteria: Invitae Variant Classification Sherloc (09022015). Collection method: clinical testing. Allele origin: germline.
Comment: This sequence change replaces serine, which is neutral and polar, with threonine, which is neutral and polar, at codon 499 of the MYLK protein (p.Ser499Thr). This variant is present in population databases (no rsID available, gnomAD no frequency). This variant has not been reported in the literature in individuals affected with MYLK-related conditions. ClinVar contains an entry for this variant (Variation ID: 264553). Advanced modeling of protein sequence and biophysical properties (such as structural, functional, and spatial information, amino acid conservation, physicochemical variation, residue mobility, and thermodynamic stability) performed at Invitae indicates that this missense variant is not expected to disrupt MYLK protein function with a negative predictive value of 95%. In summary, the available evidence is currently insufficient to determine the role of this variant in disease. Therefore, it has been classified as a Variant of Uncertain Significance.

CHEO Genetics Diagnostic Laboratory, Children's Hospital of Eastern Ontario
Classification: Uncertain significance for Familial thoracic aortic aneurysm and aortic dissection. Last evaluated: 2019-09-18. Review status: criteria provided, single submitter. Criteria: ACMG Guidelines, 2015. Collection method: clinical testing. Allele origin: germline.

Ambry Genetics
Classification: Uncertain significance for Familial thoracic aortic aneurysm and aortic dissection. Last evaluated: 2015-12-08. Review status: criteria provided, single submitter. Criteria: Ambry Variant Classification Scheme 2023. Collection method: clinical testing. Allele origin: germline.
Comment: The p.S499T variant (also known as c.1496G>C), located in coding exon 8 of the MYLK gene, results from a G to C substitution at nucleotide position 1496. The serine at codon 499 is replaced by threonine, an amino acid with similar properties. This variant was not reported in population based cohorts in the following databases: Database of Single Nucleotide Polymorphisms (dbSNP), NHLBI Exome Sequencing Project (ESP), and 1000 Genomes Project. In the ESP, this variant was not observed in 6503 samples (13006 alleles) with coverage at this position. This amino acid position is poorly conserved in available vertebrate species. In addition, this alteration is predicted to be tolerated by in silico analysis. Since supporting evidence is limited at this time, the clinical significance of this variant remains unclear.

NM_053025.4(MYLK):c.1496G>C (p.Ser499Thr)

Gene: MYLK (myosin light chain kinase; minus strand). Cytogenetic location: 3q21.1.
Variant type: single nucleotide variant.
Coding change: c.1496G>C on transcript NM_053025.4 (MANE Select); coding-DNA position 1496, G replaced by C.
Protein change: p.Ser499Thr; replaces serine 499 with threonine.
Molecular consequence: missense variant. On other transcripts: intron variant (2).
Genome position (GRCh38, 1-based): chr3:123,732,916, C>G on the plus strand (G>C on the coding strand, the complement: MYLK is on the minus strand). VCF-style: chr3-123732916-C-G. GRCh37 (hg19) VCF-style: chr3-123451763-C-G.
Other names: c.968G>C, p.Ser323Thr (NM_001321309.2); c.1496G>C, p.Ser499Thr (NM_053027.4); c.1309+771G>C (NM_053028.4, NM_053026.4); short protein forms S499T, S323T.
Identifiers: ClinVar variation 264553 (VCV000264553.12), dbSNP rs886039189, ClinGen allele CA10587558.
Genomic context (GRCh38, chr3:123,732,916, plus strand): 5'-CCCACAGAGAATGCGGGGTGACCTGGAGAAGTGTACTCACTTTCCACTTGGAGGGTCCAG[C>G]TACAGGACAGCTGGCCTTGGGCGTTGGAAGCAGTGCAGCTGTATGTCCCACTGTCCCTGG-3'
Protein context (NP_444253.3, residues 489-509): ASNAQGQLSC[Ser499Thr]WTLQVERLAV